The following is an entry in ClinVar:

ClinVar aggregate classification (germline): Uncertain significance (1 of 4 stars; one submission).

Allele frequency attached by ClinVar (database versions not stated): gnomAD exomes below 0.00001 and 0.00001; ExAC 0.00001; TOPMed 0.00002.
gnomAD v4.1: 7 of 1,611,754 alleles (0.00043%); highest among the groups gnomAD compares: South Asian, 0.0033%; no homozygotes.

Submission:

GeneDx
Classification: Uncertain significance. Last evaluated: 2019-04-08. Review status: criteria provided, single submitter. Criteria: GeneDx Variant Classification Process June 2021. Collection method: clinical testing. Allele origin: germline. Affected: yes.
Comment: Not observed at a significant frequency in large population cohorts (Lek et al., 2016); In silico analysis, which includes protein predictors and evolutionary conservation, supports a deleterious effect; Has not been previously published as pathogenic or benign to our knowledge

NM_001436401.1(NOBOX):c.715C>T (p.Arg239Trp)

Gene: NOBOX (NOBOX oogenesis homeobox; minus strand). Cytogenetic location: 7q35.
Variant type: single nucleotide variant.
Coding change: c.715C>T on transcript NM_001436401.1 (MANE Select); coding-DNA position 715, C replaced by T.
Protein change: p.Arg239Trp; replaces arginine 239 with tryptophan.
Molecular consequence: missense variant.
Genome position (GRCh38, 1-based): chr7:144,399,845, G>A on the plus strand (C>T on the coding strand, the complement: NOBOX is on the minus strand). VCF-style: chr7-144399845-G-A. GRCh37 (hg19) VCF-style: chr7-144096938-G-A.
Other names: NM_001080413.3:c.1066C>T; c.163C>T, p.Arg55Trp (NM_001436402.1); short protein forms R239W, R55W.
Identifiers: ClinVar variation 1308604 (VCV001308604.2), dbSNP rs754804125, ClinGen allele CA4544660.